The following is an entry in ClinVar:

ClinVar aggregate classification (germline): Likely benign. Review status: criteria provided, multiple submitters, no conflicts (2 of 4 stars). 2 submissions from 2 submitters: Likely benign (2). Last evaluated 2025-07-13.

Conditions:
PMS2-related disorder. Also called: PMS2-related condition.

gnomAD v4.1: 13 of 1,355,882 alleles (0.00096%); highest among the groups gnomAD compares: South Asian, 0.0058%; no homozygotes.

Submissions (2):

PreventionGenetics, part of Exact Sciences
Classification: Likely benign for PMS2-related condition. Last evaluated: 2025-07-13. Review status: criteria provided, single submitter. Criteria: ACMG Guidelines, 2015. Collection method: clinical testing. Allele origin: germline.
Comment: This variant is classified as likely benign based on ACMG/AMP sequence variant interpretation guidelines (Richards et al. 2015 PMID: 25741868, with internal and published modifications).

Blueprint Genetics
Classification: Likely benign. Last evaluated: 2024-10-16. Review status: criteria provided, single submitter. Criteria: ACMG Guidelines, 2015. Collection method: clinical testing. Allele origin: germline.

NM_000535.7(PMS2):c.354-51C>T

Gene: PMS2 (PMS1 homolog 2, mismatch repair system component; minus strand). Cytogenetic location: 7p22.1.
Variant type: single nucleotide variant.
Coding change: c.354-51C>T on transcript NM_000535.7 (MANE Select); 51 bases into the intron before coding-DNA position 354, C replaced by T.
Molecular consequence: intron variant. On other transcripts: 5 prime UTR variant (9).
Genome position (GRCh38, 1-based): chr7:6,002,687, G>A on the plus strand (C>T on the coding strand, the complement: PMS2 is on the minus strand). VCF-style: chr7-6002687-G-A. GRCh37 (hg19) VCF-style: chr7-6042318-G-A.
Other names: c.354-51C>T (NM_000535.6, NM_001406886.1, NM_001406884.1 and 9 more transcripts); c.-52-51C>T (NM_001406889.1, NM_001322013.2, NM_001406905.1 and 24 more transcripts); c.-531-51C>T (NM_001322012.2, NM_001322011.2); c.250+1285C>T (NM_001406885.1); c.36-51C>T (NM_001406901.1, NM_001406903.1, NM_001322007.2 and 4 more transcripts); c.-7C>T (NM_001322015.2, NM_001406875.1, NM_001406877.1 and 6 more transcripts); c.378-51C>T (NM_001406868.1); c.540-51C>T (NM_001406866.1).
Identifiers: ClinVar variation 4895203 (VCV004895203.2).